The following is an entry in ClinVar:

NM_000642.3(AGL):c.1041dup (p.Val348fs)

Gene: AGL (amylo-alpha-1,6-glucosidase and 4-alpha-glucanotransferase; plus strand). Cytogenetic location: 1p21.2.
Variant type: Duplication.
Coding change: c.1041dup on transcript NM_000642.3 (MANE Select); coding-DNA position 1041, one base duplicated (T; older notation c.1041dupT).
Protein change: p.Val348fs; shifts the reading frame from valine 348.
Molecular consequence: frameshift variant.
Genome position (GRCh38, 1-based): chr1:99,874,769, T duplicated. VCF-style (leftmost placement, unchanged base first): chr1-99874768-C-CT. GRCh37 (hg19) VCF-style: chr1-100340324-C-CT.
Other names: c.1041dup (NM_000642.2); c.1041dup, p.Val348Cysfs (NM_000028.3, NM_000643.3, NM_000644.3 and 3 more transcripts); c.993dup, p.Val332Cysfs (NM_000646.3); c.837dup, p.Val280Cysfs (NM_001425328.1, NM_001425329.1); c.663dup, p.Val222Cysfs (NM_001425332.1); short protein forms V332fs, V348fs.
Identifiers: ClinVar variation 1075303 (VCV001075303.10), dbSNP rs2101126325, ClinGen allele CA2499214917.

ClinVar aggregate classification (germline): Pathogenic/Likely pathogenic. Review status: criteria provided, multiple submitters, no conflicts (2 of 4 stars). 2 submissions from 2 submitters: Pathogenic (1); Likely pathogenic (1). Last evaluated 2023-02-25.

Conditions:
Glycogen storage disease type III (GSD3). Also called: Cori disease; FORBES DISEASE. Identifiers: Orphanet 366, MedGen C0017922, MONDO:0009291, OMIM 232400.

Submissions (2):

Baylor Genetics
Classification: Likely pathogenic for Glycogen storage disease type III. Last evaluated: 2023-02-25. Review status: criteria provided, single submitter. Criteria: ACMG Guidelines, 2015. Collection method: clinical testing. Allele origin: unknown.

Labcorp Genetics (formerly Invitae), Labcorp
Classification: Pathogenic for Glycogen storage disease type III. Last evaluated: 2022-08-07. Review status: criteria provided, single submitter. Criteria: Invitae Variant Classification Sherloc (09022015). Collection method: clinical testing. Allele origin: germline.
Comment: This sequence change creates a premature translational stop signal (p.Val348Cysfs*14) in the AGL gene. It is expected to result in an absent or disrupted protein product. Loss-of-function variants in AGL are known to be pathogenic (PMID: 19299494). This variant is not present in population databases (gnomAD no frequency). This premature translational stop signal has been observed in individual(s) with glycogen storage disease III (Invitae). ClinVar contains an entry for this variant (Variation ID: 1075303). For these reasons, this variant has been classified as Pathogenic.

Literature cited by the submitters: PubMed 19299494 (cited by Labcorp Genetics (formerly Invitae), Labcorp).